The following is an entry in ClinVar:

ClinVar aggregate classification (germline): Uncertain significance (1 of 4 stars; one submission).

Conditions:
Dilated cardiomyopathy 1W (CMD1W). Identifiers: Orphanet 154, MedGen C1969639, MONDO:0012667, OMIM 611407.

Submission:

Labcorp Genetics (formerly Invitae), Labcorp
Classification: Uncertain significance for Dilated cardiomyopathy 1W. Last evaluated: 2020-04-29. Review status: criteria provided, single submitter. Criteria: Invitae Variant Classification Sherloc (09022015). Collection method: clinical testing. Allele origin: germline.
Comment: This sequence change replaces glutamine with lysine at codon 471 of the VCL protein (p.Gln471Lys). The glutamine residue is moderately conserved and there is a small physicochemical difference between glutamine and lysine. This variant is not present in population databases (ExAC no frequency). This variant has not been reported in the literature in individuals with VCL-related conditions. Algorithms developed to predict the effect of missense changes on protein structure and function are either unavailable or do not agree on the potential impact of this missense change (SIFT: "Not Available"; PolyPhen-2: "Possibly Damaging"; Align-GVGD: "Not Available"). In summary, the available evidence is currently insufficient to determine the role of this variant in disease. Therefore, it has been classified as a Variant of Uncertain Significance.

NM_014000.3(VCL):c.1411C>A (p.Gln471Lys)

Gene: VCL (vinculin; plus strand). Cytogenetic location: 10q22.2.
Variant type: single nucleotide variant.
Coding change: c.1411C>A on transcript NM_014000.3 (MANE Select); coding-DNA position 1411, C replaced by A.
Protein change: p.Gln471Lys; replaces glutamine 471 with lysine.
Molecular consequence: missense variant.
Genome position (GRCh38, 1-based): chr10:74,094,329, C>A. VCF-style: chr10-74094329-C-A. GRCh37 (hg19) VCF-style: chr10-75854087-C-A.
Other names: c.1411C>A, p.Gln471Lys (NM_003373.4); short protein forms Q471K.
Identifiers: ClinVar variation 998481 (VCV000998481.7), dbSNP rs1839932518, ClinGen allele CA377273752.
Genomic context (GRCh38, chr10:74,094,329, plus strand): 5'-AGGGGGAAAGGAGATTCTCCAGAGGCTCGAGCCTTGGCCAAACAGGTGGCCACGGCCCTG[C>A]AGAACCTGCAGACCAAAACCAACCGGGCTGTGGCCAACAGCAGACCGGCCAAAGCAGCTG-3'
Protein context (NP_054706.1, residues 461-481): ALAKQVATAL[Gln471Lys]NLQTKTNRAV